The following is an entry in ClinVar:

ClinVar aggregate classification (germline): Pathogenic (1 of 4 stars; one submission).

Conditions:
Immunodeficiency, common variable, 1. Also called: ANTIBODY DEFICIENCY DUE TO ICOS DEFECT. Identifiers: Orphanet 1572, Orphanet 695183, MedGen C3149378, MONDO:0011864, OMIM 607594.

Submission:

Labcorp Genetics (formerly Invitae), Labcorp
Classification: Pathogenic for Immunodeficiency, common variable, 1. Last evaluated: 2025-12-01. Review status: criteria provided, single submitter. Criteria: Invitae Variant Classification Sherloc (09022015). Collection method: clinical testing. Allele origin: germline.
Comment: This sequence change creates a premature translational stop signal (p.Trp6*) in the ICOS gene. It is expected to result in an absent or disrupted protein product. Loss-of-function variants in ICOS are known to be pathogenic (PMID: 11343122, 12577056, 19380800). This variant is not present in population databases (gnomAD no frequency). This variant has not been reported in the literature in individuals affected with ICOS-related conditions. ClinVar contains an entry for this variant (Variation ID: 2002817). Algorithms developed to predict the effect of sequence changes on RNA splicing suggest that this variant may disrupt the consensus splice site. For these reasons, this variant has been classified as Pathogenic.

Literature cited by the submitters: PubMed 11343122; PubMed 12577056; PubMed 19380800.

NM_012092.4(ICOS):c.17G>A (p.Trp6Ter)

Gene: ICOS (inducible T cell costimulator; plus strand). Cytogenetic location: 2q33.2.
Variant type: single nucleotide variant.
Coding change: c.17G>A on transcript NM_012092.4 (MANE Select); coding-DNA position 17, G replaced by A.
Protein change: p.Trp6Ter; replaces tryptophan 6 with a stop codon.
Molecular consequence: nonsense.
Genome position (GRCh38, 1-based): chr2:203,936,831, G>A. VCF-style: chr2-203936831-G-A. GRCh37 (hg19) VCF-style: chr2-204801554-G-A.
Other names: short protein forms W6*.
Identifiers: ClinVar variation 2002817 (VCV002002817.4), dbSNP rs2469780660, ClinGen allele CA350139437.